The following is an entry in ClinVar:

ClinVar aggregate classification (germline): Uncertain significance (1 of 4 stars; one submission).

Conditions:
Duchenne muscular dystrophy (DMD). Also called: MUSCULAR DYSTROPHY, PSEUDOHYPERTROPHIC PROGRESSIVE, DUCHENNE TYPE; Duchenne Muscular Dystrophy (DMD). Identifiers: Orphanet 98896, MedGen C0013264, MONDO:0010679, OMIM 310200.

Allele frequency attached by ClinVar (database versions not stated): ExAC 0.00001.

Submission:

Labcorp Genetics (formerly Invitae), Labcorp
Classification: Uncertain significance for Duchenne muscular dystrophy. Last evaluated: 2023-10-17. Review status: criteria provided, single submitter. Criteria: Invitae Variant Classification Sherloc (09022015). Collection method: clinical testing. Allele origin: germline.
Comment: This sequence change replaces asparagine, which is neutral and polar, with lysine, which is basic and polar, at codon 2899 of the DMD protein (p.Asn2899Lys). This variant is present in population databases (rs757682164, gnomAD 0.001%). This variant has not been reported in the literature in individuals affected with DMD-related conditions. Advanced modeling of protein sequence and biophysical properties (such as structural, functional, and spatial information, amino acid conservation, physicochemical variation, residue mobility, and thermodynamic stability) performed at Invitae indicates that this missense variant is not expected to disrupt DMD protein function. In summary, the available evidence is currently insufficient to determine the role of this variant in disease. Therefore, it has been classified as a Variant of Uncertain Significance.

NM_004006.3(DMD):c.8697T>A (p.Asn2899Lys)

Gene: DMD (dystrophin; minus strand). Cytogenetic location: Xp21.2.
Variant type: single nucleotide variant.
Coding change: c.8697T>A on transcript NM_004006.3 (MANE Select); coding-DNA position 8697, T replaced by A.
Protein change: p.Asn2899Lys; replaces asparagine 2899 with lysine.
Molecular consequence: missense variant.
Genome position (GRCh38, 1-based): chrX:31,478,346, A>T on the plus strand (T>A on the coding strand, the complement: DMD is on the minus strand). VCF-style: chrX-31478346-A-T. GRCh37 (hg19) VCF-style: chrX-31496463-A-T.
Other names: c.8673T>A, p.Asn2891Lys (NM_000109.4); c.8685T>A, p.Asn2895Lys (NM_004009.3); c.8328T>A, p.Asn2776Lys (NM_004010.3); c.4674T>A, p.Asn1558Lys (NM_004011.4); c.4665T>A, p.Asn1555Lys (NM_004012.4); c.1317T>A, p.Asn439Lys (NM_004013.3, NM_004020.4, NM_004021.3 and 2 more transcripts); c.510T>A, p.Asn170Lys (NM_004014.3); short protein forms N1558K, N2899K, N1555K, N170K, N2776K, N439K, N2895K, N2891K.
Identifiers: ClinVar variation 2892685 (VCV002892685.1), dbSNP rs757682164, ClinGen allele CA10378000.